The following is an entry in ClinVar:

ClinVar aggregate classification (germline): Likely benign. Review status: criteria provided, multiple submitters, no conflicts (2 of 4 stars). 3 submissions from 3 submitters: Likely benign (3). Last evaluated 2023-04-01.

Allele frequency attached by ClinVar (database versions not stated): 1000 Genomes Project 0.00220; 1000 Genomes Project 30x 0.00234; TOPMed 0.00379; gnomAD 0.00383; ESP Exome Variant Server 0.00500.
gnomAD v4.1: 8,254 of 1,614,058 alleles (0.51%); highest among the groups gnomAD compares: Non-Finnish European, 0.62%; 38 homozygotes.

Submissions (3):

CeGaT Center for Human Genetics Tuebingen
Classification: Likely benign. Last evaluated: 2023-04-01. Review status: criteria provided, single submitter. Criteria: CeGaT Center For Human Genetics Tuebingen Variant Classification Criteria Version 2. Collection method: clinical testing. Allele origin: germline. Affected: yes. Observed: 2 variant alleles.
Comment: NELL1: BS2

Labcorp Genetics (formerly Invitae), Labcorp
Classification: Likely benign. Last evaluated: 2019-12-31. Review status: criteria provided, single submitter. Criteria: Invitae Variant Classification Sherloc (09022015). Collection method: clinical testing. Allele origin: germline.

Breakthrough Genomics
Classification: Likely benign. Review status: criteria provided, single submitter. Criteria: ACMG Guidelines, 2015. Collection method: not provided. Allele origin: germline. Inheritance: Unknown mechanism. Affected: yes.

NM_006157.5(NELL1):c.932C>T (p.Pro311Leu)

Gene: NELL1 (neural EGFL like 1; plus strand). Cytogenetic location: 11p15.1.
Variant type: single nucleotide variant.
Coding change: c.932C>T on transcript NM_006157.5 (MANE Select); coding-DNA position 932, C replaced by T.
Protein change: p.Pro311Leu; replaces proline 311 with leucine.
Molecular consequence: missense variant.
Genome position (GRCh38, 1-based): chr11:20,928,414, C>T. VCF-style: chr11-20928414-C-T. GRCh37 (hg19) VCF-style: chr11-20949960-C-T.
Other names: c.1016C>T, p.Pro339Leu (NM_001288713.1); c.761C>T, p.Pro254Leu (NM_001288714.1); c.932C>T, p.Pro311Leu (NM_201551.2); short protein forms P254L, P311L, P339L.
Identifiers: ClinVar variation 770597 (VCV000770597.29), dbSNP rs55926004, ClinGen allele CA5922168.
Genomic context (GRCh38, chr11:20,928,414, plus strand): 5'-GTTCCATGTCCTTCCTTCCTCAGAGTGGTGCCGTGGAATGCCGAAGGATGTCCTGTCCCC[C>T]TCTCAATTGCTCCCCAGACTCCCTCCCAGTGCACATTGCTGGCCAGTGCTGTAAGGTCTG-3'
Protein context (NP_006148.2, residues 301-321): AVECRRMSCP[Pro311Leu]LNCSPDSLPV